The following is an entry in ClinVar:

ClinVar aggregate classification (germline): Uncertain significance. Review status: criteria provided, multiple submitters, no conflicts (2 of 4 stars). 2 submissions from 2 submitters: Uncertain significance (2). Last evaluated 2025-08-19.

Conditions:
Anemia, congenital dyserythropoietic, type 1a (CDAN1A). Also called: DYSERYTHROPOIETIC ANEMIA, CONGENITAL, TYPE Ia; CDAN1-Related Congenital Dyserythropoietic Anemia. Identifiers: MedGen C5574667, MONDO:0009135, OMIM 224120.

Allele frequency attached by ClinVar (database versions not stated): gnomAD 0.00004; ExAC 0.00007; gnomAD exomes 0.00013.
gnomAD v4.1: 56 of 1,613,566 alleles (0.0035%); highest among the groups gnomAD compares: Admixed American, 0.072%; no homozygotes.

Submissions (2):

Mayo Clinic Laboratories, Mayo Clinic
Classification: Uncertain significance. Last evaluated: 2025-08-19. Review status: criteria provided, single submitter. Criteria: ACMG Guidelines, 2015. Collection method: clinical testing. Allele origin: germline. Observed: 8 variant alleles.
Comment: BP4_moderate

ARUP Laboratories, Molecular Genetics and Genomics, ARUP Laboratories
Classification: Uncertain significance for Anemia, congenital dyserythropoietic, type 1a. Last evaluated: 2024-12-20. Review status: criteria provided, single submitter. Criteria: ARUP Molecular Germline Variant Investigation Process 2024. Collection method: clinical testing. Allele origin: germline.
Comment: The CDAN1 c.553C>T; p.Pro185Ser variant (rs777322588), to our knowledge, is not reported in the medical literature but is reported in ClinVar (Variation ID: 1163375). This variant is found in the Admixed American population with an allele frequency of 0.084% (29/34450 alleles) in the Genome Aggregation Database (v2.1.1). Computational analyses predict that this variant is neutral (REVEL: 0.141). Due to limited information, the clinical significance of this variant is uncertain at this time.

NM_138477.4(CDAN1):c.553C>T (p.Pro185Ser)

Gene: CDAN1 (codanin 1; minus strand). Cytogenetic location: 15q15.2.
Variant type: single nucleotide variant.
Coding change: c.553C>T on transcript NM_138477.4 (MANE Select); coding-DNA position 553, C replaced by T.
Protein change: p.Pro185Ser; replaces proline 185 with serine.
Molecular consequence: missense variant.
Genome position (GRCh38, 1-based): chr15:42,736,318, G>A on the plus strand (C>T on the coding strand, the complement: CDAN1 is on the minus strand). VCF-style: chr15-42736318-G-A. GRCh37 (hg19) VCF-style: chr15-43028516-G-A.
Other names: short protein forms P185S.
Identifiers: ClinVar variation 1163375 (VCV001163375.9), dbSNP rs777322588, ClinGen allele CA7516379.